The following is an entry in ClinVar:

NM_000515.5(GH1):c.626G>A (p.Arg209His)

Genes: GH1 (growth hormone 1; minus strand), GH-LCR (growth hormone locus control region; plus strand). Cytogenetic location: 17q23.3.
Variant type: single nucleotide variant.
Coding change: c.626G>A on transcript NM_000515.5 (MANE Select); coding-DNA position 626, G replaced by A.
Protein change: p.Arg209His; replaces arginine 209 with histidine.
Molecular consequence: missense variant.
Genome position (GRCh38, 1-based): chr17:63,917,337, C>T on the plus strand (G>A on the coding strand, the complement: GH1 is on the minus strand). VCF-style: chr17-63917337-C-T. GRCh37 (hg19) VCF-style: chr17-61994697-C-T.
Other names: R183H; c.581G>A, p.Arg194His (NM_022559.4); c.506G>A, p.Arg169His (NM_022560.4); short protein forms R169H, R194H, R209H.
Identifiers: ClinVar variation 15983 (VCV000015983.9), dbSNP rs137853223, ClinGen allele CA126122.
Genomic context (GRCh38, chr17:63,917,337, plus strand): 5'-GGGGAGGGGTCACAGGGATGCCACCCGGGCAGCTAGAAGCCACAGCTGCCCTCCACAGAG[C>T]GGCACTGCACGATGCGCAGGAATGTCTCGACCTTGTCCATGTCCTTCCTGAAGCAGTAGA-3'
Protein context (NP_000506.2, residues 199-217): VETFLRIVQC[Arg209His]SVEGSCGF

ClinVar aggregate classification (germline): Pathogenic. Review status: criteria provided, multiple submitters, no conflicts (2 of 4 stars). 7 submissions from 7 submitters: Pathogenic (4). 3 of the submissions do not count toward it. Last evaluated 2024-05-15.

Conditions:
GH1-related disorders.
Autosomal dominant isolated somatotropin deficiency (IGHD2). Also called: Idiopathic Growth Hormone Deficiency Type II; IGHD II. Identifiers: Orphanet 231679, Orphanet 631, MedGen C0271567, MONDO:0008250, OMIM 173100.

Allele frequency attached by ClinVar (database versions not stated): gnomAD exomes below 0.00001; gnomAD 0.00001.
gnomAD v4.1: 4 of 1,613,916 alleles (0.00025%); highest among the groups gnomAD compares: African/African-American, 0.0013%; no homozygotes.

Submissions (7):

Blueprint Genetics
Classification: Pathogenic for GH1-related disorders. Last evaluated: 2024-05-15. Review status: criteria provided, single submitter. Criteria: ACMG Guidelines, 2015. Collection method: clinical testing. Allele origin: germline. Affected: yes. Observed: 1 variant allele.

GeneDx
Classification: Pathogenic. Last evaluated: 2023-10-24. Review status: criteria provided, single submitter. Criteria: GeneDx Variant Classification Process June 2021. Collection method: clinical testing. Allele origin: germline. Affected: yes.
Comment: Published functional studies demonstrate that this variant severely impairs growth hormone secretion (Deladoey et al., 2001); Not observed at significant frequency in large population cohorts (gnomAD); Also known as c.6664 G>A p.R183H; This variant is associated with the following publications: (PMID: 9152628, 34006472, 33729509, 34589056, 17785368, 29739035, 11502836, 31835104)

Labcorp Genetics (formerly Invitae), Labcorp
Classification: Pathogenic. Last evaluated: 2023-02-03. Review status: criteria provided, single submitter. Criteria: Invitae Variant Classification Sherloc (09022015). Collection method: clinical testing. Allele origin: germline.
Comment: This sequence change replaces arginine, which is basic and polar, with histidine, which is basic and polar, at codon 209 of the GH1 protein (p.Arg209His). This variant is present in population databases (rs137853223, gnomAD 0.01%). This missense change has been observed in individual(s) with clinical features of autosomal dominant growth hormone deficiency (PMID: 17785368, 29739035, 33729509, 34006472, 34589056). It has also been observed to segregate with disease in related individuals. This variant is also known as p.Arg183His. ClinVar contains an entry for this variant (Variation ID: 15983). Algorithms developed to predict the effect of missense changes on protein structure and function are either unavailable or do not agree on the potential impact of this missense change (SIFT: "Deleterious"; PolyPhen-2: "Benign"; Align-GVGD: "Class C0"). For these reasons, this variant has been classified as Pathogenic.

Athena Diagnostics
Classification: Pathogenic. Last evaluated: 2019-07-08. Review status: criteria provided, single submitter. Criteria: Athena Diagnostics Criteria. Collection method: clinical testing. Allele origin: germline.
Comment: The best available variant frequency is uninformative because there are too few occurrences in population data. Found in at least one symptomatic patient. Conflicting predictions of the effect on the protein. Damaging to protein function(s) relevant to disease mechanism. Very strong co-segregation with disease in affected individuals from multiple families.

Department of Pediatrics, Taizhou Central Hospital, Taizhou University Hospital
Classification: Likely pathogenic for Autosomal dominant isolated somatotropin deficiency. Last evaluated: 2024-02-01. Review status: no assertion criteria provided. Collection method: clinical testing. Allele origin: de novo. Affected: yes. Observed: 1 variant allele. Not counted in ClinVar's aggregate classification.

Beijing Key Laboratory for Genetic Research of Skeletal Deformity, Peking Union Medical College Hospital
Classification: Likely pathogenic for Autosomal dominant isolated somatotropin deficiency. Last evaluated: 2019-05-31. Review status: no assertion criteria provided. Collection method: research. Allele origin: unknown. Affected: yes. Not counted in ClinVar's aggregate classification.

OMIM
Classification: Pathogenic for ISOLATED GROWTH HORMONE DEFICIENCY, TYPE II. Last evaluated: 2007-11-01. Review status: no assertion criteria provided. Collection method: literature only. Allele origin: germline. Not counted in ClinVar's aggregate classification.

Literature cited by the submitters: PubMed 17785368 (cited by 3 submitters); PubMed 29739035 (cited by Labcorp Genetics (formerly Invitae), Labcorp and Athena Diagnostics); PubMed 33729509 (cited by Labcorp Genetics (formerly Invitae), Labcorp); PubMed 34006472 (cited by Labcorp Genetics (formerly Invitae), Labcorp); PubMed 34589056 (cited by Labcorp Genetics (formerly Invitae), Labcorp); PubMed 18785993 (cited by Athena Diagnostics); PubMed 11502836 (cited by Athena Diagnostics); PubMed 9152628 (cited by Athena Diagnostics); PubMed 28626954 (cited by Athena Diagnostics); PubMed 12399418 (cited by Athena Diagnostics); PubMed 9554464 (cited by OMIM).